The following is an entry in ClinVar:

NM_002474.3(MYH11):c.3558G>C (p.Glu1186Asp)

Gene: MYH11 (myosin heavy chain 11; minus strand). Cytogenetic location: 16p13.11.
Variant type: single nucleotide variant.
Coding change: c.3558G>C on transcript NM_002474.3 (MANE Select); coding-DNA position 3558, G replaced by C.
Protein change: p.Glu1186Asp; replaces glutamic acid 1186 with aspartic acid.
Molecular consequence: missense variant.
Genome position (GRCh38, 1-based): chr16:15,732,657, C>G on the plus strand (G>C on the coding strand, the complement: MYH11 is on the minus strand). VCF-style: chr16-15732657-C-G. GRCh37 (hg19) VCF-style: chr16-15826514-C-G.
Other names: c.3579G>C, p.Glu1193Asp (NM_001040113.2, NM_001040114.2); c.3558G>C, p.Glu1186Asp (NM_022844.3); short protein forms E1186D, E1193D.
Identifiers: ClinVar variation 3387194 (VCV003387194.1).
Genomic context (GRCh38, chr16:15,732,657, plus strand): 5'-CTCCACCGCCTGTGCGTGTTTCTGCCTCATCTCCTGGACCTGAGCCTCATGGGACCGCGT[C>G]TCTTCATCCAGGGCCTTCTTCAGCACCGTCACCTCCTGCTCCCTCTTGGCCCTTGGTGGG-3'
Protein context (NP_002465.1, residues 1176-1196): VTVLKKALDE[Glu1186Asp]TRSHEAQVQE

ClinVar aggregate classification (germline): Uncertain significance (1 of 4 stars; one submission).

Conditions:
Familial thoracic aortic aneurysm and aortic dissection (TAAD). Also called: Thoracic aortic aneurysms and dissections. Identifiers: Orphanet 91387, MedGen C4707243, MONDO:0019625.

Submission:

All of Us Research Program, National Institutes of Health
Classification: Uncertain significance for Familial thoracic aortic aneurysm and aortic dissection. Last evaluated: 2024-07-20. Review status: criteria provided, single submitter. Criteria: ACMG Guidelines, 2015. Collection method: clinical testing. Allele origin: germline. Inheritance: Autosomal dominant inheritance. Observed: 1 variant allele, 1 heterozygote.
Comment: This missense variant replaces glutamic acid with aspartic acid at codon 1193 of the MYH11 protein. Computational prediction is inconclusive regarding the impact of this variant on protein structure and function (internally defined REVEL score threshold 0.5 < inconclusive < 0.7, PMID: 27666373). To our knowledge, functional studies have not been reported for this variant. This variant has not been reported in individuals affected with MYH11-related disorders in the literature. This variant has not been identified in the general population by the Genome Aggregation Database (gnomAD). The available evidence is insufficient to determine the role of this variant in disease conclusively. Therefore, this variant is classified as a Variant of Uncertain Significance.

This study involves interpretation of variants in research participants for the purpose of population health screening. Participant phenotype was not available at the time of variant classification. Additional details can be found in publication PMID: 35346344, PMCID: PMC8962531